The following is an entry in ClinVar:

NM_005143.5(HP):c.855G>A (p.Gly285=)

Gene: HP (haptoglobin; plus strand). Cytogenetic location: 16q22.2.
Variant type: single nucleotide variant.
Coding change: c.855G>A on transcript NM_005143.5 (MANE Select); coding-DNA position 855, G replaced by A.
Protein change: p.Gly285=; no amino-acid change (glycine 285 retained).
Molecular consequence: synonymous variant.
Genome position (GRCh38, 1-based): chr16:72,060,524, G>A. VCF-style: chr16-72060524-G-A. GRCh37 (hg19) VCF-style: chr16-72094423-G-A.
Other names: c.678G>A, p.Gly226= (NM_001126102.3, NM_001318138.2).
Identifiers: ClinVar variation 3352037 (VCV003352037.1).

ClinVar aggregate classification (germline): Likely benign (0 of 4 stars; one submission).

Conditions:
HP-related disorder. Also called: HP-related condition.

Submission:

PreventionGenetics, part of Exact Sciences
Classification: Likely benign for HP-related condition. Last evaluated: 2019-06-27. Review status: no assertion criteria provided. Collection method: clinical testing. Allele origin: germline.
Comment: This variant is classified as likely benign based on ACMG/AMP sequence variant interpretation guidelines (Richards et al. 2015 PMID: 25741868, with internal and published modifications).